The following is an entry in ClinVar:

ClinVar aggregate classification (germline): Uncertain significance. Review status: criteria provided, multiple submitters, no conflicts (2 of 4 stars). 4 submissions from 4 submitters: Uncertain significance (4). Last evaluated 2025-01-02.

Conditions:
Cardiovascular phenotype. Identifiers: MedGen CN230736.
Arrhythmogenic cardiomyopathy with wooly hair and keratoderma. Also called: PALMOPLANTAR KERATODERMA WITH LEFT VENTRICULAR CARDIOMYOPATHY AND WOOLLY HAIR; Carvajal syndrome; Dilated cardiomyopathy with woolly hair and keratoderma; Arrhythmogenic cardiomyopathy with woolly hair and keratoderma. Identifiers: Orphanet 65282, MedGen C1854063, MONDO:0011581, OMIM 605676.
Arrhythmogenic right ventricular dysplasia 8 (ARVD8). Also called: Arrhythmogenic Right Ventricular Dysplasia/Cardiomyopathy 8; ARRHYTHMOGENIC RIGHT VENTRICULAR DYSPLASIA, FAMILIAL, 8; ARRHYTHMOGENIC RIGHT VENTRICULAR CARDIOMYOPATHY 8. Identifiers: MedGen C1843896, MONDO:0011831, OMIM 607450.
Cardiomyopathy (CMYO). Also called: Cardiomyopathies. Identifiers: Orphanet 167848, MedGen C0878544, MONDO:0004994, HP:0001638. Inheritance: Various modes of inheritance.

gnomAD v4.1: 7 of 1,614,214 alleles (0.00043%); highest among the groups gnomAD compares: Non-Finnish European, 0.00059%; no homozygotes.

Submissions (4):

Ambry Genetics
Classification: Uncertain significance for Cardiovascular phenotype. Last evaluated: 2025-01-02. Review status: criteria provided, single submitter. Criteria: Ambry Variant Classification Scheme 2023. Collection method: clinical testing. Allele origin: germline.
Comment: The p.D2796V variant (also known as c.8387A>T), located in coding exon 24 of the DSP gene, results from an A to T substitution at nucleotide position 8387. The aspartic acid at codon 2796 is replaced by valine, an amino acid with highly dissimilar properties. This variant was reported in individual(s) with features consistent with dilated cardiomyopathy (van Lint FHM. Neth Heart J. 2019 Jun;27(6):304-309). This amino acid position is well conserved in available vertebrate species. In addition, the in silico prediction for this alteration is inconclusive. Based on the available evidence, the clinical significance of this variant remains unclear.

All of Us Research Program, National Institutes of Health
Classification: Uncertain significance for Arrhythmogenic cardiomyopathy with wooly hair and keratoderma. Last evaluated: 2023-12-13. Review status: criteria provided, single submitter. Criteria: ACMG Guidelines, 2015. Collection method: clinical testing. Allele origin: germline. Inheritance: Autosomal dominant inheritance. Observed: 1 variant allele, 1 heterozygote.
Comment: This missense variant replaces aspartic acid with valine at codon 2796 of the DSP protein. Computational prediction suggests that this variant may not impact protein structure and function (internally defined REVEL score threshold <= 0.5, PMID: 27666373). To our knowledge, functional studies have not been reported for this variant. This variant has been reported in an individual suspected to be affected with dilated cardiomyopathy (PMID: 30847666). This variant has not been identified in the general population by the Genome Aggregation Database (gnomAD). The available evidence is insufficient to determine the role of this variant in disease conclusively. Therefore, this variant is classified as a Variant of Uncertain Significance.

This study involves interpretation of variants in research participants for the purpose of population health screening. Participant phenotype was not available at the time of variant classification. Additional details can be found in publication PMID: 35346344, PMCID: PMC8962531

Color Diagnostics, LLC DBA Color Health
Classification: Uncertain significance for Cardiomyopathy. Last evaluated: 2023-11-09. Review status: criteria provided, single submitter. Criteria: ACMG Guidelines, 2015. Collection method: clinical testing. Allele origin: germline.
Comment: This missense variant replaces aspartic acid with valine at codon 2796 of the DSP protein. Computational prediction suggests that this variant may not impact protein structure and function (internally defined REVEL score threshold <= 0.5, PMID: 27666373). To our knowledge, functional studies have not been reported for this variant. This variant has been reported in an individual suspected to be affected with dilated cardiomyopathy (PMID: 30847666). This variant has not been identified in the general population by the Genome Aggregation Database (gnomAD). The available evidence is insufficient to determine the role of this variant in disease conclusively. Therefore, this variant is classified as a Variant of Uncertain Significance.

Labcorp Genetics (formerly Invitae), Labcorp
Classification: Uncertain significance for Arrhythmogenic cardiomyopathy with wooly hair and keratoderma; Arrhythmogenic right ventricular dysplasia 8. Last evaluated: 2023-11-05. Review status: criteria provided, single submitter. Criteria: Invitae Variant Classification Sherloc (09022015). Collection method: clinical testing. Allele origin: germline.
Comment: This sequence change replaces aspartic acid, which is acidic and polar, with valine, which is neutral and non-polar, at codon 2796 of the DSP protein (p.Asp2796Val). This variant is not present in population databases (gnomAD no frequency). This variant has not been reported in the literature in individuals affected with DSP-related conditions. ClinVar contains an entry for this variant (Variation ID: 920770). An algorithm developed to predict the effect of missense changes on protein structure and function (PolyPhen-2) suggests that this variant is likely to be disruptive. In summary, the available evidence is currently insufficient to determine the role of this variant in disease. Therefore, it has been classified as a Variant of Uncertain Significance.

Literature cited by the submitters: PubMed 30847666 (cited by 3 submitters).

NM_004415.4(DSP):c.8387A>T (p.Asp2796Val)

Gene: DSP (desmoplakin; plus strand). Cytogenetic location: 6p24.3.
Variant type: single nucleotide variant.
Coding change: c.8387A>T on transcript NM_004415.4 (MANE Select); coding-DNA position 8387, A replaced by T.
Protein change: p.Asp2796Val; replaces aspartic acid 2796 with valine.
Molecular consequence: missense variant.
Genome position (GRCh38, 1-based): chr6:7,585,649, A>T. VCF-style: chr6-7585649-A-T. GRCh37 (hg19) VCF-style: chr6-7585882-A-T.
Other names: c.6590A>T, p.Asp2197Val (NM_001008844.3); c.7058A>T, p.Asp2353Val (NM_001319034.2); short protein forms D2197V, D2796V, D2353V.
Identifiers: ClinVar variation 920770 (VCV000920770.15), dbSNP rs888716643, ClinGen allele CA133977902.